The following is an entry in ClinVar:

ClinVar aggregate classification (germline): Uncertain significance (1 of 4 stars; one submission).

Conditions:
Inborn genetic diseases. Identifiers: MedGen C0950123, MeSH D030342.

gnomAD v4.1: 22 of 1,614,046 alleles (0.0014%); highest among the groups gnomAD compares: Non-Finnish European, 0.0019%; no homozygotes.

Submission:

Ambry Genetics
Classification: Uncertain significance for Inborn genetic diseases. Last evaluated: 2025-10-13. Review status: criteria provided, single submitter. Criteria: Ambry Variant Classification Scheme 2023. Collection method: clinical testing. Allele origin: germline.
Comment: The p.N1642S variant (also known as c.4925A>G), located in coding exon 32 of the ANKRD26 gene, results from an A to G substitution at nucleotide position 4925. The asparagine at codon 1642 is replaced by serine, an amino acid with highly similar properties. This amino acid position is conserved. In addition, this alteration is predicted to be tolerated by in silico analysis. Based on the available evidence, the clinical significance of this variant remains unclear.

NM_014915.3(ANKRD26):c.4925A>G (p.Asn1642Ser)

Gene: ANKRD26 (ankyrin repeat domain 26; minus strand). Cytogenetic location: 10p12.1.
Variant type: single nucleotide variant.
Coding change: c.4925A>G on transcript NM_014915.3 (MANE Select); coding-DNA position 4925, A replaced by G.
Protein change: p.Asn1642Ser; replaces asparagine 1642 with serine.
Molecular consequence: missense variant.
Genome position (GRCh38, 1-based): chr10:27,012,910, T>C on the plus strand (A>G on the coding strand, the complement: ANKRD26 is on the minus strand). VCF-style: chr10-27012910-T-C. GRCh37 (hg19) VCF-style: chr10-27301839-T-C.
Other names: c.4922A>G, p.Asn1641Ser (NM_001256053.2); short protein forms N1642S, N1641S.
Identifiers: ClinVar variation 4579339 (VCV004579339.1).